The following is an entry in ClinVar:

NM_006767.4(LZTR1):c.1990G>A (p.Ala664Thr)

Gene: LZTR1 (leucine zipper like post translational regulator 1; plus strand). Cytogenetic location: 22q11.21.
Variant type: single nucleotide variant.
Coding change: c.1990G>A on transcript NM_006767.4 (MANE Select); coding-DNA position 1990, G replaced by A.
Protein change: p.Ala664Thr; replaces alanine 664 with threonine.
Molecular consequence: missense variant.
Genome position (GRCh38, 1-based): chr22:20,995,793, G>A. VCF-style: chr22-20995793-G-A. GRCh37 (hg19) VCF-style: chr22-21350082-G-A.
Other names: short protein forms A664T.
Identifiers: ClinVar variation 595956 (VCV000595956.31), dbSNP rs140874089, ClinGen allele CA10119190.

ClinVar aggregate classification (germline): Conflicting classifications of pathogenicity. Review status: criteria provided, conflicting classifications (1 of 4 stars). 8 submissions from 8 submitters: Uncertain significance (2); Likely benign (5). 1 of the submissions does not count toward it. Last evaluated 2026-04-21.

Conditions:
LZTR1-related disorder. Also called: LZTR1-related disorders; LZTR1-related condition.
Cardiovascular phenotype. Identifiers: MedGen CN230736.
Hereditary cancer-predisposing syndrome. Also called: Neoplastic Syndromes, Hereditary; Tumor predisposition; Hereditary Cancer Syndrome; Hereditary neoplastic syndrome. Identifiers: Orphanet 140162, MedGen C0027672, MeSH D009386, MONDO:0015356.

Allele frequency attached by ClinVar (database versions not stated): 1000 Genomes Project 0.00040; 1000 Genomes Project 30x 0.00047; gnomAD 0.00061 and 0.00072; ESP Exome Variant Server 0.00062; TOPMed 0.00067.
gnomAD v4.1: 341 of 1,613,558 alleles (0.021%); highest among the groups gnomAD compares: African/African-American, 0.2%; no homozygotes.

Submissions (8):

Dasa
Classification: Likely benign. Last evaluated: 2026-04-21. Review status: criteria provided, single submitter. Criteria: DASA Assertion Criteria. Collection method: clinical testing. Allele origin: germline.
Comment: NM_006767.4(LZTR1):c.1990G>A (p.Ala664Thr) is a missense variant that results in the substitution of alanine with threonine. Computational prediction algorithms are consistent with a benign effect. Therefore, based on the currently available evidence, this variant is classified as likely benign.

Labcorp Genetics (formerly Invitae), Labcorp
Classification: Likely benign. Last evaluated: 2026-01-31. Review status: criteria provided, single submitter. Criteria: Invitae Variant Classification Sherloc (09022015). Collection method: clinical testing. Allele origin: germline.

GeneDx
Classification: Uncertain significance. Last evaluated: 2025-06-09. Review status: criteria provided, single submitter. Criteria: GeneDx Variant Classification Process June 2021. Collection method: clinical testing. Allele origin: germline. Affected: yes.
Comment: In silico analysis suggests that this missense variant does not alter protein structure/function; Has not been previously published as pathogenic or benign to our knowledge

Blueprint Genetics
Classification: Likely benign. Last evaluated: 2024-10-08. Review status: criteria provided, single submitter. Criteria: ACMG Guidelines, 2015. Collection method: clinical testing. Allele origin: germline.

Ambry Genetics
Classification: Likely benign for Cardiovascular phenotype; Hereditary cancer-predisposing syndrome. Last evaluated: 2024-09-03. Review status: criteria provided, single submitter. Criteria: Ambry Variant Classification Scheme 2023. Collection method: clinical testing. Allele origin: germline.

Women's Health and Genetics/Laboratory Corporation of America, LabCorp
Classification: Likely benign. Last evaluated: 2023-11-27. Review status: criteria provided, single submitter. Criteria: LabCorp Variant Classification Summary - May 2015. Collection method: clinical testing. Allele origin: germline.

Eurofins Ntd Llc (ga)
Classification: Uncertain significance. Last evaluated: 2018-01-31. Review status: criteria provided, single submitter. Criteria: EGL Classification Definitions 2015. Collection method: clinical testing. Allele origin: germline. Observed: 1 variant allele, 1 heterozygote.

PreventionGenetics, part of Exact Sciences
Classification: Likely benign for LZTR1-related condition. Last evaluated: 2024-09-11. Review status: no assertion criteria provided. Collection method: clinical testing. Allele origin: germline. Not counted in ClinVar's aggregate classification.
Comment: This variant is classified as likely benign based on ACMG/AMP sequence variant interpretation guidelines (Richards et al. 2015 PMID: 25741868, with internal and published modifications).